The following is an entry in ClinVar:

NM_000186.4(CFH):c.1235T>C (p.Ile412Thr)

Gene: CFH (complement factor H; plus strand). Cytogenetic location: 1q31.3.
Variant type: single nucleotide variant.
Coding change: c.1235T>C on transcript NM_000186.4 (MANE Select); coding-DNA position 1235, T replaced by C.
Protein change: p.Ile412Thr; replaces isoleucine 412 with threonine.
Molecular consequence: missense variant.
Genome position (GRCh38, 1-based): chr1:196,690,138, T>C. VCF-style: chr1-196690138-T-C. GRCh37 (hg19) VCF-style: chr1-196659268-T-C.
Other names: c.1235T>C, p.Ile412Thr (NM_001014975.3); short protein forms I412T.
Identifiers: ClinVar variation 4766316 (VCV004766316.1).

ClinVar aggregate classification (germline): Uncertain significance (1 of 4 stars; one submission).

gnomAD v4.1: 8 of 1,613,218 alleles (0.0005%); highest among the groups gnomAD compares: East Asian, 0.0022%; no homozygotes.

Submission:

Labcorp Genetics (formerly Invitae), Labcorp
Classification: Uncertain significance. Last evaluated: 2025-04-01. Review status: criteria provided, single submitter. Criteria: Invitae Variant Classification Sherloc (09022015). Collection method: clinical testing. Allele origin: germline.
Comment: This sequence change replaces isoleucine, which is neutral and non-polar, with threonine, which is neutral and polar, at codon 412 of the CFH protein (p.Ile412Thr). This variant is not present in population databases (gnomAD no frequency). This variant has not been reported in the literature in individuals affected with CFH-related conditions. An algorithm developed to predict the effect of missense changes on protein structure and function (PolyPhen-2) suggests that this variant is likely to be tolerated. In summary, the available evidence is currently insufficient to determine the role of this variant in disease. Therefore, it has been classified as a Variant of Uncertain Significance.